The following is an entry in ClinVar:

NM_020856.4(TSHZ3):c.690G>A (p.Thr230=)

Gene: TSHZ3 (teashirt zinc finger homeobox 3; minus strand). Cytogenetic location: 19q12.
Variant type: single nucleotide variant.
Coding change: c.690G>A on transcript NM_020856.4 (MANE Select); coding-DNA position 690, G replaced by A.
Protein change: p.Thr230=; no amino-acid change (threonine 230 retained).
Molecular consequence: synonymous variant.
Genome position (GRCh38, 1-based): chr19:31,279,103, C>T on the plus strand (G>A on the coding strand, the complement: TSHZ3 is on the minus strand). VCF-style: chr19-31279103-C-T. GRCh37 (hg19) VCF-style: chr19-31770009-C-T.
Other names: c.690G>A (NM_020856.3).
Identifiers: ClinVar variation 1241314 (VCV001241314.5), dbSNP rs28609894, ClinGen allele CA9354425.

ClinVar aggregate classification (germline): Benign. Review status: criteria provided, multiple submitters, no conflicts (2 of 4 stars). 3 submissions from 3 submitters: Benign (2). 1 of the submissions does not count toward it. Last evaluated 2019-10-28.

Conditions:
TSHZ3-related disorder. Also called: TSHZ3-related condition.

Allele frequency attached by ClinVar (database versions not stated): gnomAD exomes 0.21774 and 0.24576; ExAC 0.25031; gnomAD 0.27262 and 0.27346; ESP Exome Variant Server 0.28341; TOPMed 0.28622; 1000 Genomes Project 0.31470; 1000 Genomes Project 30x 0.31871.
gnomAD v4.1: 361,902 of 1,613,456 alleles (22%); highest among the groups gnomAD compares: African/African-American, 42%; 44,736 homozygotes.

Submissions (3):

GeneDx
Classification: Benign. Last evaluated: 2019-10-28. Review status: criteria provided, single submitter. Criteria: GeneDx Variant Classification Process June 2021. Collection method: clinical testing. Allele origin: germline. Affected: yes.

Breakthrough Genomics
Classification: Benign. Review status: criteria provided, single submitter. Criteria: ACMG Guidelines, 2015. Collection method: not provided. Allele origin: germline. Inheritance: Unknown mechanism. Affected: yes.

PreventionGenetics, part of Exact Sciences
Classification: Benign for TSHZ3-related condition. Last evaluated: 2019-10-17. Review status: no assertion criteria provided. Collection method: clinical testing. Allele origin: germline. Not counted in ClinVar's aggregate classification.
Comment: This variant is classified as benign based on ACMG/AMP sequence variant interpretation guidelines (Richards et al. 2015 PMID: 25741868, with internal and published modifications).